The following is an entry in ClinVar:

NM_001447.3(FAT2):c.10624G>C (p.Glu3542Gln)

Genes: FAT2 (FAT atypical cadherin 2; minus strand), SLC36A1 (solute carrier family 36 member 1; plus strand). Cytogenetic location: 5q33.1.
Variant type: single nucleotide variant.
Coding change: c.10624G>C on transcript NM_001447.3 (MANE Select); coding-DNA position 10624, G replaced by C.
Protein change: p.Glu3542Gln; replaces glutamic acid 3542 with glutamine.
Molecular consequence: missense variant.
Genome position (GRCh38, 1-based): chr5:151,521,969, C>G on the plus strand (G>C on the coding strand, the complement: FAT2 is on the minus strand). VCF-style: chr5-151521969-C-G. GRCh37 (hg19) VCF-style: chr5-150901530-C-G.
Other names: c.10624G>C (NM_001447.2); short protein forms E3542Q.
Identifiers: ClinVar variation 2137451 (VCV002137451.5), dbSNP rs200363852, ClinGen allele CA3520196.

ClinVar aggregate classification (germline): Uncertain significance. Review status: criteria provided, multiple submitters, no conflicts (2 of 4 stars). 2 submissions from 2 submitters: Uncertain significance (2). Last evaluated 2025-01-20.

Allele frequency attached by ClinVar (database versions not stated): gnomAD 0.00029; ExAC 0.00033; ESP Exome Variant Server 0.00038.
gnomAD v4.1: 641 of 1,614,082 alleles (0.04%); highest among the groups gnomAD compares: Non-Finnish European, 0.05%; 1 homozygote.

Submissions (2):

Labcorp Genetics (formerly Invitae), Labcorp
Classification: Uncertain significance. Last evaluated: 2025-01-20. Review status: criteria provided, single submitter. Criteria: Invitae Variant Classification Sherloc (09022015). Collection method: clinical testing. Allele origin: germline.
Comment: This sequence change replaces glutamic acid, which is acidic and polar, with glutamine, which is neutral and polar, at codon 3542 of the FAT2 protein (p.Glu3542Gln). This variant is present in population databases (rs200363852, gnomAD 0.06%), and has an allele count higher than expected for a pathogenic variant. This variant has not been reported in the literature in individuals affected with FAT2-related conditions. ClinVar contains an entry for this variant (Variation ID: 2137451). Invitae Evidence Modeling of protein sequence and biophysical properties (such as structural, functional, and spatial information, amino acid conservation, physicochemical variation, residue mobility, and thermodynamic stability) has been performed for this missense variant. However, the output from this modeling did not meet the statistical confidence thresholds required to predict the impact of this variant on FAT2 protein function. In summary, the available evidence is currently insufficient to determine the role of this variant in disease. Therefore, it has been classified as a Variant of Uncertain Significance.

Ambry Genetics
Classification: Uncertain significance. Last evaluated: 2021-08-10. Review status: criteria provided, single submitter. Criteria: Ambry Variant Classification Scheme 2023. Collection method: clinical testing. Allele origin: germline.